The following is an entry in ClinVar:

ClinVar aggregate classification (germline): Uncertain significance (1 of 4 stars; one submission).

Conditions:
Developmental and epileptic encephalopathy, 21 (DEE21). Also called: Early infantile epileptic encephalopathy 21. Identifiers: Orphanet 442835, MedGen C4014430, MONDO:0014360, OMIM 615833.

Allele frequency attached by ClinVar (database versions not stated): gnomAD 0.00001; gnomAD exomes 0.00001; ExAC 0.00002; 1000 Genomes Project 30x 0.00016; 1000 Genomes Project 0.00020.
gnomAD v4.1: 11 of 1,614,006 alleles (0.00068%); highest among the groups gnomAD compares: East Asian, 0.0022%; no homozygotes.

Submission:

Labcorp Genetics (formerly Invitae), Labcorp
Classification: Uncertain significance for Developmental and epileptic encephalopathy, 21. Last evaluated: 2022-08-23. Review status: criteria provided, single submitter. Criteria: Invitae Variant Classification Sherloc (09022015). Collection method: clinical testing. Allele origin: germline.
Comment: This sequence change replaces asparagine, which is neutral and polar, with serine, which is neutral and polar, at codon 249 of the NECAP1 protein (p.Asn249Ser). This variant is present in population databases (rs776221234, gnomAD 0.003%). This variant has not been reported in the literature in individuals affected with NECAP1-related conditions. ClinVar contains an entry for this variant (Variation ID: 1052018). Algorithms developed to predict the effect of missense changes on protein structure and function output the following: SIFT: "Tolerated"; PolyPhen-2: "Benign"; Align-GVGD: "Class C0". The serine amino acid residue is found in multiple mammalian species, which suggests that this missense change does not adversely affect protein function. Algorithms developed to predict the effect of sequence changes on RNA splicing suggest that this variant may disrupt the consensus splice site. In summary, the available evidence is currently insufficient to determine the role of this variant in disease. Therefore, it has been classified as a Variant of Uncertain Significance.

NM_015509.4(NECAP1):c.746A>G (p.Asn249Ser)

Gene: NECAP1 (NECAP endocytosis associated 1; plus strand). Cytogenetic location: 12p13.31.
Variant type: single nucleotide variant.
Coding change: c.746A>G on transcript NM_015509.4 (MANE Select); coding-DNA position 746, A replaced by G.
Protein change: p.Asn249Ser; replaces asparagine 249 with serine.
Molecular consequence: missense variant. On other transcripts: non-coding transcript variant (1).
Genome position (GRCh38, 1-based): chr12:8,095,670, A>G. VCF-style: chr12-8095670-A-G. GRCh37 (hg19) VCF-style: chr12-8248266-A-G.
Other names: short protein forms N249S.
Identifiers: ClinVar variation 1052018 (VCV001052018.4), dbSNP rs776221234, ClinGen allele CA6432349.
Genomic context (GRCh38, chr12:8,095,670, plus strand): 5'-TAGATTTGGATTCTCCTGCTCCTGTCACGACACCAGCACCAACTCCAGTTTCTGTAAGCA[A>G]TGACTTGTGGGGAGACTTCAGCACTGCCTCCAGGTAATGGGCATAGTGAAACTAGCATAC-3'
Protein context (NP_056324.2, residues 239-259): TPAPTPVSVS[Asn249Ser]DLWGDFSTAS